The following is an entry in ClinVar:

ClinVar aggregate classification (germline): Uncertain significance. Review status: criteria provided, multiple submitters, no conflicts (2 of 4 stars). 2 submissions from 2 submitters: Uncertain significance (2). Last evaluated 2025-04-01.

Conditions:
Inborn genetic diseases. Identifiers: MedGen C0950123, MeSH D030342.
STRC-related disorder. Also called: STRC-related condition.

Allele frequency attached by ClinVar (database versions not stated): ExAC 0.00002.
gnomAD v4.1: 4 of 1,613,574 alleles (0.00025%); highest among the groups gnomAD compares: Admixed American, 0.0067%; no homozygotes.

Submissions (2):

Ambry Genetics
Classification: Uncertain significance for Inborn genetic diseases. Last evaluated: 2025-04-01. Review status: criteria provided, single submitter. Criteria: Ambry Variant Classification Scheme 2023. Collection method: clinical testing. Allele origin: germline.

PreventionGenetics, part of Exact Sciences
Classification: Uncertain significance for STRC-related condition. Last evaluated: 2023-07-25. Review status: criteria provided, single submitter. Criteria: ACMG Guidelines, 2015. Collection method: clinical testing. Allele origin: germline.
Comment: The STRC c.4391G>A variant is predicted to result in the amino acid substitution p.Cys1464Tyr. To our knowledge, this variant has not been reported in the literature. This variant is reported in 0.0087% of alleles in individuals of Latino descent in gnomAD. At this time, the clinical significance of this variant is uncertain due to the absence of conclusive functional and genetic evidence.

NM_153700.2(STRC):c.4391G>A (p.Cys1464Tyr)

Gene: STRC (stereocilin; minus strand). Cytogenetic location: 15q15.3.
Variant type: single nucleotide variant.
Coding change: c.4391G>A on transcript NM_153700.2 (MANE Select); coding-DNA position 4391, G replaced by A.
Protein change: p.Cys1464Tyr; replaces cysteine 1464 with tyrosine.
Molecular consequence: missense variant.
Genome position (GRCh38, 1-based): chr15:43,603,396, C>T on the plus strand (G>A on the coding strand, the complement: STRC is on the minus strand). VCF-style: chr15-43603396-C-T. GRCh37 (hg19) VCF-style: chr15-43895594-C-T.
Other names: short protein forms C1464Y.
Identifiers: ClinVar variation 2339117 (VCV002339117.4), dbSNP rs771738216, ClinGen allele CA7528040.